The following is an entry in ClinVar:

ClinVar aggregate classification (germline): Conflicting classifications of pathogenicity. Review status: criteria provided, conflicting classifications (1 of 4 stars). 3 submissions from 3 submitters: Uncertain significance (1); Likely benign (1). 1 of the submissions does not count toward it. Last evaluated 2024-02-14.

Conditions:
FREM2-related disorder. Also called: FREM2-related condition.
Fraser syndrome 2 (FRASRS2). Identifiers: MedGen C4540036, MONDO:0054738, OMIM 617666.

Allele frequency attached by ClinVar (database versions not stated): gnomAD exomes 0.00003 and 0.00008; ExAC 0.00005; TOPMed 0.00006; gnomAD 0.00009 and 0.00010.
gnomAD v4.1: 139 of 1,613,708 alleles (0.0086%); highest among the groups gnomAD compares: Non-Finnish European, 0.011%; no homozygotes.

Submissions (3):

Labcorp Genetics (formerly Invitae), Labcorp
Classification: Likely benign. Last evaluated: 2024-02-14. Review status: criteria provided, single submitter. Criteria: Invitae Variant Classification Sherloc (09022015). Collection method: clinical testing. Allele origin: germline.

Illumina Laboratory Services, Illumina
Classification: Uncertain significance for Fraser syndrome 2. Last evaluated: 2018-01-13. Review status: criteria provided, single submitter. Criteria: ICSL Variant Classification Criteria 13 December 2019. Collection method: clinical testing. Allele origin: germline.

PreventionGenetics, part of Exact Sciences
Classification: Likely benign for FREM2-related condition. Last evaluated: 2022-12-06. Review status: no assertion criteria provided. Collection method: clinical testing. Allele origin: germline. Not counted in ClinVar's aggregate classification.
Comment: This variant is classified as likely benign based on ACMG/AMP sequence variant interpretation guidelines (Richards et al. 2015 PMID: 25741868, with internal and published modifications).

NM_207361.6(FREM2):c.8160A>C (p.Pro2720=)

Gene: FREM2 (FRAS1 related extracellular matrix 2; plus strand). Cytogenetic location: 13q13.3.
Variant type: single nucleotide variant.
Coding change: c.8160A>C on transcript NM_207361.6 (MANE Select); coding-DNA position 8160, A replaced by C.
Protein change: p.Pro2720=; no amino-acid change (proline 2720 retained).
Molecular consequence: synonymous variant.
Genome position (GRCh38, 1-based): chr13:38,872,918, A>C. VCF-style: chr13-38872918-A-C. GRCh37 (hg19) VCF-style: chr13-39447055-A-C.
Other names: c.8160A>C (NM_207361.5).
Identifiers: ClinVar variation 312024 (VCV000312024.10), dbSNP rs200528879, ClinGen allele CA6956046.